The following is an entry in ClinVar:

NM_000179.3(MSH6):c.2261C>T (p.Thr754Ile)

Gene: MSH6 (mutS homolog 6; plus strand). Cytogenetic location: 2p16.3.
Variant type: single nucleotide variant.
Coding change: c.2261C>T on transcript NM_000179.3 (MANE Select); coding-DNA position 2261, C replaced by T.
Protein change: p.Thr754Ile; replaces threonine 754 with isoleucine.
Molecular consequence: missense variant.
Genome position (GRCh38, 1-based): chr2:47,800,244, C>T. VCF-style: chr2-47800244-C-T. GRCh37 (hg19) VCF-style: chr2-48027383-C-T.
Other names: c.2261C>T (NM_000179.2); c.1871C>T, p.Thr624Ile (NM_001281492.2); c.1355C>T, p.Thr452Ile (NM_001281493.2, NM_001281494.2); short protein forms T452I, T624I, T754I.
Identifiers: ClinVar variation 1059653 (VCV001059653.13), dbSNP rs1669440639, ClinGen allele CA346752760.

ClinVar aggregate classification (germline): Uncertain significance. Review status: criteria provided, multiple submitters, no conflicts (2 of 4 stars). 4 submissions from 4 submitters: Uncertain significance (4). Last evaluated 2025-08-08.

Conditions:
Hereditary nonpolyposis colorectal neoplasms. Identifiers: MedGen C0009405, MeSH D003123.
Hereditary cancer-predisposing syndrome. Also called: Neoplastic Syndromes, Hereditary; Hereditary Cancer Syndrome; Hereditary neoplastic syndrome; Tumor predisposition. Identifiers: Orphanet 140162, MedGen C0027672, MeSH D009386, MONDO:0015356.
Endometrial carcinoma. Also called: Endometrial carcinoma, somatic. Identifiers: MedGen C0476089, MONDO:0002447, OMIM 608089, HP:0012114.

Submissions (4):

Ambry Genetics
Classification: Uncertain significance for Hereditary cancer-predisposing syndrome. Last evaluated: 2025-08-08. Review status: criteria provided, single submitter. Criteria: Ambry Variant Classification Scheme 2023. Collection method: clinical testing. Allele origin: germline.
Comment: The p.T754I variant (also known as c.2261C>T), located in coding exon 4 of the MSH6 gene, results from a C to T substitution at nucleotide position 2261. The threonine at codon 754 is replaced by isoleucine, an amino acid with similar properties. This amino acid position is conserved. In addition, the in silico prediction for this alteration is inconclusive. Based on the available evidence, the clinical significance of this variant remains unclear.

Center for Genomic Medicine, Rigshospitalet, Copenhagen University Hospital
Classification: Uncertain significance. Last evaluated: 2025-03-04. Review status: criteria provided, single submitter. Criteria: ACMG Guidelines, 2015. Collection method: clinical testing. Allele origin: germline.

Baylor Genetics
Classification: Uncertain significance for Endometrial carcinoma. Last evaluated: 2023-09-26. Review status: criteria provided, single submitter. Criteria: ACMG Guidelines, 2015. Collection method: clinical testing. Allele origin: unknown.

Labcorp Genetics (formerly Invitae), Labcorp
Classification: Uncertain significance for Hereditary nonpolyposis colorectal neoplasms. Last evaluated: 2020-03-14. Review status: criteria provided, single submitter. Criteria: Invitae Variant Classification Sherloc (09022015). Collection method: clinical testing. Allele origin: germline.
Comment: This variant has not been reported in the literature in individuals with MSH6-related conditions. Algorithms developed to predict the effect of missense changes on protein structure and function are either unavailable or do not agree on the potential impact of this missense change (SIFT: "Tolerated"; PolyPhen-2: "Possibly Damaging"; Align-GVGD: "Class C0"). In summary, the available evidence is currently insufficient to determine the role of this variant in disease. Therefore, it has been classified as a Variant of Uncertain Significance. This variant is not present in population databases (ExAC no frequency). This sequence change replaces threonine with isoleucine at codon 754 of the MSH6 protein (p.Thr754Ile). The threonine residue is weakly conserved and there is a moderate physicochemical difference between threonine and isoleucine.